The following is an entry in ClinVar:

ClinVar aggregate classification (germline): Likely pathogenic (1 of 4 stars; one submission).

Conditions:
Spastic paraplegia. Identifiers: MedGen C0037772, HP:0001258.

Submission:

Labcorp Genetics (formerly Invitae), Labcorp
Classification: Likely pathogenic for Spastic paraplegia. Last evaluated: 2023-07-17. Review status: criteria provided, single submitter. Criteria: Invitae Variant Classification Sherloc (09022015). Collection method: clinical testing. Allele origin: germline.
Comment: Disruption of this splice site has been observed in individual(s) with hereditary spastic paraplegia (Invitae). In summary, the currently available evidence indicates that the variant is pathogenic, but additional data are needed to prove that conclusively. Therefore, this variant has been classified as Likely Pathogenic. Algorithms developed to predict the effect of sequence changes on RNA splicing suggest that this variant may disrupt the consensus splice site. ClinVar contains an entry for this variant (Variation ID: 845783). This variant is not present in population databases (gnomAD no frequency). This sequence change affects an acceptor splice site in intron 10 of the KIF5A gene. It is expected to disrupt RNA splicing. Variants that disrupt the donor or acceptor splice site typically lead to a loss of protein function (PMID: 16199547), and loss-of-function variants in KIF5A are known to be pathogenic (PMID: 26374131).

Literature cited by the submitters: PubMed 16199547; PubMed 26374131.

NM_004984.4(KIF5A):c.969-1G>C

Gene: KIF5A (kinesin family member 5A; plus strand). Cytogenetic location: 12q13.3.
Variant type: single nucleotide variant.
Coding change: c.969-1G>C on transcript NM_004984.4 (MANE Select); the canonical splice acceptor site of the intron before coding-DNA position 969, G replaced by C.
Molecular consequence: splice acceptor variant.
Genome position (GRCh38, 1-based): chr12:57,569,534, G>C. VCF-style: chr12-57569534-G-C. GRCh37 (hg19) VCF-style: chr12-57963317-G-C.
Other names: c.702-1G>C (NM_001354705.2).
Identifiers: ClinVar variation 845783 (VCV000845783.8), dbSNP rs1882179247, ClinGen allele CA385502154.